The following is an entry in ClinVar:

NM_000179.2(MSH6):c.3738_3759inv (p.His1248_Ser1251delinsAsnGluTrpTer)

Gene: MSH6 (mutS homolog 6; plus strand). Cytogenetic location: 2p16.3.
Variant type: Inversion.
Coding change: c.3738_3759inv on transcript NM_000179.2.
Protein change: p.His1248_Ser1251delinsAsnGluTrpTer.
Molecular consequence: nonsense (on NM_000179.3).
Genome position: GRCh38: chr2:47,806,295-47,806,316. GRCh37 (hg19): chr2:48,033,434-48,033,455.
Other names: c.3738_3759inv, p.His1248_Val1253delinsAsnGluTrpTer (NM_000179.3, LRG_219t1); c.3348_3369inv, p.His1118_Val1123delinsAsnGluTrpTer (NM_001281492.2); c.2832_2853inv, p.His946_Val951delinsAsnGluTrpTer (NM_001281493.2, NM_001281494.2).
Identifiers: ClinVar variation 455281 (VCV000455281.6), ClinGen allele CA658822267.

ClinVar aggregate classification (germline): Pathogenic. Review status: criteria provided, multiple submitters, no conflicts (2 of 4 stars). 2 submissions from 2 submitters: Pathogenic (2). Last evaluated 2023-10-31.

Conditions:
Hereditary nonpolyposis colorectal neoplasms. Identifiers: MedGen C0009405, MeSH D003123.
Familial cancer of breast. Also called: hereditary breast carcinoma; BREAST CANCER, FAMILIAL; Hereditary breast cancer. Identifiers: Orphanet 227535, MedGen C0346153, MONDO:0016419, OMIM 114480. Disease mechanism: loss of function.

Submissions (2):

Department of Pathology and Laboratory Medicine, Sinai Health System
Classification: Pathogenic for hereditary breast carcinoma. Last evaluated: 2023-10-31. Review status: criteria provided, single submitter. Criteria: ACMG Guidelines, 2015. Collection method: clinical testing. Allele origin: germline.

Labcorp Genetics (formerly Invitae), Labcorp
Classification: Pathogenic for Hereditary nonpolyposis colorectal neoplasms. Last evaluated: 2020-05-15. Review status: criteria provided, single submitter. Criteria: Invitae Variant Classification Sherloc (09022015). Collection method: clinical testing. Allele origin: germline.
Comment: For these reasons, this variant has been classified as Pathogenic. Loss-of-function variants in MSH6 are known to be pathogenic (PMID: 18269114, 24362816). This variant has not been reported in the literature in individuals with MSH6-related conditions. This variant is not present in population databases (ExAC no frequency). This sequence change creates a premature translational stop signal (p.His1248_Ser1251delinsAsnGluTrp*) in the MSH6 gene. It is expected to result in an absent or disrupted protein product.

Literature cited by the submitters: PubMed 18269114 (cited by Labcorp Genetics (formerly Invitae), Labcorp); PubMed 24362816 (cited by Labcorp Genetics (formerly Invitae), Labcorp).